The following is an entry in ClinVar:

NM_022773.4(LMF1):c.1610G>A (p.Arg537Gln)

Gene: LMF1 (lipase maturation factor 1; minus strand). Cytogenetic location: 16p13.3.
Variant type: single nucleotide variant.
Coding change: c.1610G>A on transcript NM_022773.4 (MANE Select); coding-DNA position 1610, G replaced by A.
Protein change: p.Arg537Gln; replaces arginine 537 with glutamine.
Molecular consequence: missense variant. On other transcripts: synonymous variant (1), non-coding transcript variant (1).
Genome position (GRCh38, 1-based): chr16:854,626, C>T on the plus strand (G>A on the coding strand, the complement: LMF1 is on the minus strand). VCF-style: chr16-854626-C-T. GRCh37 (hg19) VCF-style: chr16-904626-C-T.
Other names: c.959G>A, p.Arg320Gln (NM_001352017.2, NM_001352021.2); c.1211G>A, p.Arg404Gln (NM_001352018.2); c.1283G>A, p.Arg428Gln (NM_001352019.2); c.1530G>A, p.Ala510= (NM_001352020.1); short protein forms R404Q, R428Q, R320Q, R537Q.
Identifiers: ClinVar variation 1903299 (VCV001903299.2), dbSNP rs533542876, ClinGen allele CA7796864.
Genomic context (GRCh38, chr16:854,626, plus strand): 5'-CTGAAGTAGGGCCTCAGCTCCTCCAGGCTGAGCGGAGGGAAGTAGGCTCCGATCCTCTTC[C>T]GCACCCACCACTTGCCCTCGGCGGCGTGCCTGCCCCCAGGACGGCTGAACTTGTACCTGT-3'
Protein context (NP_073610.2, residues 527-547): RHAAEGKWWV[Arg537Gln]KRIGAYFPPL

ClinVar aggregate classification (germline): Uncertain significance (1 of 4 stars; one submission).

Allele frequency attached by ClinVar (database versions not stated): gnomAD exomes 0.00003; ExAC 0.00005; gnomAD 0.00007; TOPMed 0.00010; 1000 Genomes Project 30x 0.00031; 1000 Genomes Project 0.00040.
gnomAD v4.1: 59 of 1,607,292 alleles (0.0037%); highest among the groups gnomAD compares: African/African-American, 0.025%; no homozygotes.

Submission:

Labcorp Genetics (formerly Invitae), Labcorp
Classification: Uncertain significance. Last evaluated: 2022-03-14. Review status: criteria provided, single submitter. Criteria: Invitae Variant Classification Sherloc (09022015). Collection method: clinical testing. Allele origin: germline.
Comment: This sequence change replaces arginine, which is basic and polar, with glutamine, which is neutral and polar, at codon 537 of the LMF1 protein (p.Arg537Gln). This variant is present in population databases (rs533542876, gnomAD 0.03%). This variant has not been reported in the literature in individuals affected with LMF1-related conditions. Algorithms developed to predict the effect of missense changes on protein structure and function (SIFT, PolyPhen-2, Align-GVGD) all suggest that this variant is likely to be disruptive. In summary, the available evidence is currently insufficient to determine the role of this variant in disease. Therefore, it has been classified as a Variant of Uncertain Significance.